The following is an entry in ClinVar:

ClinVar aggregate classification (germline): Uncertain significance (1 of 4 stars; one submission).

gnomAD v4.1: 1 of 1,611,190 alleles (0.000062%); highest among the groups gnomAD compares: Non-Finnish European, 0.000085%; no homozygotes.

Submission:

Ambry Genetics
Classification: Uncertain significance. Last evaluated: 2024-10-31. Review status: criteria provided, single submitter. Criteria: Ambry Variant Classification Scheme 2023. Collection method: clinical testing. Allele origin: germline.
Comment: The p.Q339P variant (also known as c.1016A>C), located in coding exon 11 of the PRKDC gene, results from an A to C substitution at nucleotide position 1016. The glutamine at codon 339 is replaced by proline, an amino acid with similar properties. This amino acid position is conserved. In addition, this alteration is predicted to be tolerated by in silico analysis. Based on the available evidence, the clinical significance of this variant remains unclear.

NM_006904.7(PRKDC):c.1016A>C (p.Gln339Pro)

Gene: PRKDC (protein kinase, DNA-activated, catalytic subunit; minus strand). Cytogenetic location: 8q11.21.
Variant type: single nucleotide variant.
Coding change: c.1016A>C on transcript NM_006904.7 (MANE Select); coding-DNA position 1016, A replaced by C.
Protein change: p.Gln339Pro; replaces glutamine 339 with proline.
Molecular consequence: missense variant.
Genome position (GRCh38, 1-based): chr8:47,939,648, T>G on the plus strand (A>C on the coding strand, the complement: PRKDC is on the minus strand). VCF-style: chr8-47939648-T-G. GRCh37 (hg19) VCF-style: chr8-48852208-T-G.
Other names: c.1016A>C, p.Gln339Pro (NM_001081640.2); short protein forms Q339P.
Identifiers: ClinVar variation 3425229 (VCV003425229.1).
Genomic context (GRCh38, chr8:47,939,648, plus strand): 5'-AACTCCTTGTTGTTCGAATCCACATTTCTGATGATTCCATAAAACTGCTCCATAAAGTAC[T>G]GCAGTTTATTTTTATGCATTTCTGCATTTTTCGCCACCATATTAGAAACCTGCAAATACA-3'
Protein context (NP_008835.5, residues 329-349): KNAEMHKNKL[Gln339Pro]YFMEQFYGII